The following is an entry in ClinVar:

NM_024642.5(GALNT12):c.867A>G (p.Thr289=)

Gene: GALNT12 (polypeptide N-acetylgalactosaminyltransferase 12; plus strand). Cytogenetic location: 9q22.33.
Variant type: single nucleotide variant.
Coding change: c.867A>G on transcript NM_024642.5 (MANE Select); coding-DNA position 867, A replaced by G.
Protein change: p.Thr289=; no amino-acid change (threonine 289 retained).
Molecular consequence: synonymous variant.
Genome position (GRCh38, 1-based): chr9:98,831,907, A>G. VCF-style: chr9-98831907-A-G. GRCh37 (hg19) VCF-style: chr9-101594189-A-G.
Identifiers: ClinVar variation 5042444 (VCV005042444.1).
Genomic context (GRCh38, chr9:98,831,907, plus strand): 5'-GAACTCCGGGGAGCCCCAGATCGGCGGTTTCGACTGGAGGCTGGTGTTCACGTGGCACAC[A>G]GTTCCTGAGAGGGAGAGGATACGGATGCAATCCCCCGTCGATGTCATCAGGTCAGGAGCT-3'
Protein context (NP_078918.3, residues 279-299): FDWRLVFTWH[Thr289=]VPERERIRMQ

ClinVar aggregate classification (germline): Benign (1 of 4 stars; one submission).

Conditions:
Colorectal cancer, susceptibility to, 1. Also called: COLORECTAL ADENOMA AND CANCER, SUSCEPTIBILITY TO; COLORECTAL CANCER, SUSCEPTIBILITY TO, ON CHROMOSOME 9. Identifiers: MedGen C1837315, MONDO:0012132, OMIM 608812.

gnomAD v4.1: 4 of 1,614,154 alleles (0.00025%); highest among the groups gnomAD compares: South Asian, 0.0022%; no homozygotes.

Submission:

Myriad Genetics, Inc.
Classification: Benign for Colorectal cancer, susceptibility to, 1. Last evaluated: 2026-09-11. Review status: criteria provided, single submitter. Criteria: Myriad Autosomal Dominant, Autosomal Recessive and X-Linked Classification Criteria (2023). Collection method: clinical testing. Allele origin: unknown.
Comment: This variant is considered benign. This variant is a silent/synonymous amino acid change and it is not expected to impact splicing.